The following is an entry in ClinVar:

ClinVar aggregate classification (germline): Uncertain significance. Review status: criteria provided, multiple submitters, no conflicts (2 of 4 stars). 2 submissions from 2 submitters: Uncertain significance (2). Last evaluated 2025-03-31.

Conditions:
Arrhythmogenic right ventricular dysplasia 8 (ARVD8). Also called: ARRHYTHMOGENIC RIGHT VENTRICULAR DYSPLASIA, FAMILIAL, 8; ARRHYTHMOGENIC RIGHT VENTRICULAR CARDIOMYOPATHY 8; Arrhythmogenic Right Ventricular Dysplasia/Cardiomyopathy 8. Identifiers: MedGen C1843896, MONDO:0011831, OMIM 607450.
Arrhythmogenic cardiomyopathy with wooly hair and keratoderma. Also called: Dilated cardiomyopathy with woolly hair and keratoderma; Carvajal syndrome; PALMOPLANTAR KERATODERMA WITH LEFT VENTRICULAR CARDIOMYOPATHY AND WOOLLY HAIR; Arrhythmogenic cardiomyopathy with woolly hair and keratoderma. Identifiers: Orphanet 65282, MedGen C1854063, MONDO:0011581, OMIM 605676.
Cardiovascular phenotype. Identifiers: MedGen CN230736.

gnomAD v4.1: 1 of 1,614,110 alleles (0.000062%); no homozygotes.

Submissions (2):

Ambry Genetics
Classification: Uncertain significance for Cardiovascular phenotype. Last evaluated: 2025-03-31. Review status: criteria provided, single submitter. Criteria: Ambry Variant Classification Scheme 2023. Collection method: clinical testing. Allele origin: germline.

Labcorp Genetics (formerly Invitae), Labcorp
Classification: Uncertain significance for Arrhythmogenic cardiomyopathy with wooly hair and keratoderma; Arrhythmogenic right ventricular dysplasia 8. Last evaluated: 2022-05-21. Review status: criteria provided, single submitter. Criteria: Invitae Variant Classification Sherloc (09022015). Collection method: clinical testing. Allele origin: germline.
Comment: This sequence change replaces glutamic acid, which is acidic and polar, with glutamine, which is neutral and polar, at codon 2357 of the DSP protein (p.Glu2357Gln). In summary, the available evidence is currently insufficient to determine the role of this variant in disease. Therefore, it has been classified as a Variant of Uncertain Significance. Algorithms developed to predict the effect of missense changes on protein structure and function are either unavailable or do not agree on the potential impact of this missense change (SIFT: "Tolerated"; PolyPhen-2: "Probably Damaging"; Align-GVGD: "Class C0"). This variant has not been reported in the literature in individuals affected with DSP-related conditions. This variant is not present in population databases (gnomAD no frequency).

NM_004415.4(DSP):c.7069G>C (p.Glu2357Gln)

Gene: DSP (desmoplakin; plus strand). Cytogenetic location: 6p24.3.
Variant type: single nucleotide variant.
Coding change: c.7069G>C on transcript NM_004415.4 (MANE Select); coding-DNA position 7069, G replaced by C.
Protein change: p.Glu2357Gln; replaces glutamic acid 2357 with glutamine.
Molecular consequence: missense variant.
Genome position (GRCh38, 1-based): chr6:7,584,331, G>C. VCF-style: chr6-7584331-G-C. GRCh37 (hg19) VCF-style: chr6-7584564-G-C.
Other names: c.5272G>C, p.Glu1758Gln (NM_001008844.3); c.5740G>C, p.Glu1914Gln (NM_001319034.2); short protein forms E1914Q, E2357Q, E1758Q.
Identifiers: ClinVar variation 2039118 (VCV002039118.5), dbSNP rs2533943742, ClinGen allele CA362692165.